The following is an entry in ClinVar:

ClinVar aggregate classification (germline): Uncertain significance (1 of 4 stars; one submission).

Submission:

GeneDx
Classification: Uncertain significance. Last evaluated: 2022-11-25. Review status: criteria provided, single submitter. Criteria: GeneDx Variant Classification Process June 2021. Collection method: clinical testing. Allele origin: germline. Affected: yes.
Comment: Not observed at significant frequency in large population cohorts (gnomAD); In silico analysis supports that this missense variant has a deleterious effect on protein structure/function; Has not been previously published as pathogenic or benign to our knowledge.

NM_007118.4(TRIO):c.2711A>G (p.Glu904Gly)

Gene: TRIO (trio Rho guanine nucleotide exchange factor; plus strand). Cytogenetic location: 5p15.2.
Variant type: single nucleotide variant.
Coding change: c.2711A>G on transcript NM_007118.4 (MANE Select); coding-DNA position 2711, A replaced by G.
Protein change: p.Glu904Gly; replaces glutamic acid 904 with glycine.
Molecular consequence: missense variant. On other transcripts: non-coding transcript variant (1).
Genome position (GRCh38, 1-based): chr5:14,364,773, A>G. VCF-style: chr5-14364773-A-G. GRCh37 (hg19) VCF-style: chr5-14364882-A-G.
Other names: short protein forms E904G.
Identifiers: ClinVar variation 2503349 (VCV002503349.1), dbSNP rs2532656748, ClinGen allele CA359212344.